The following is an entry in ClinVar:

ClinVar aggregate classification (germline): Pathogenic. Review status: criteria provided, multiple submitters, no conflicts (2 of 4 stars). 2 submissions from 2 submitters: Pathogenic (2). Last evaluated 2025-11-24.

Conditions:
LAMA2-related muscular dystrophy (LAMA2-RD). Also called: Laminin alpha 2-related dystrophy. Identifiers: MedGen C5679788, MONDO:0100228.

Submissions (2):

Labcorp Genetics (formerly Invitae), Labcorp
Classification: Pathogenic for LAMA2-related muscular dystrophy. Last evaluated: 2025-11-24. Review status: criteria provided, single submitter. Criteria: Invitae Variant Classification Sherloc (09022015). Collection method: clinical testing. Allele origin: germline.
Comment: This sequence change creates a premature translational stop signal (p.Leu1414Trpfs*60) in the LAMA2 gene. It is expected to result in an absent or disrupted protein product. Loss-of-function variants in LAMA2 are known to be pathogenic (PMID: 18700894, 32904964). This variant is not present in population databases (gnomAD no frequency). This variant has not been reported in the literature in individuals affected with LAMA2-related conditions. ClinVar contains an entry for this variant (Variation ID: 1448234). For these reasons, this variant has been classified as Pathogenic.

Myriad Genetics, Inc.
Classification: Pathogenic for LAMA2-related muscular dystrophy. Last evaluated: 2024-03-28. Review status: criteria provided, single submitter. Criteria: Myriad Autosomal Dominant, Autosomal Recessive and X-Linked Classification Criteria (2023). Collection method: clinical testing. Allele origin: unknown.
Comment: NM_000426.3(LAMA2):c.4240delC(L1414Wfs*60) is expected to be pathogenic in the context of muscular dystrophy, LAMA2-related. This variant is predicted to lead to an abnormal or absent protein product due to the creation of a premature termination codon in LAMA2, a gene where loss-of-function variants are known to be pathogenic. Please note: this variant was assessed in the context of healthy population screening.

Literature cited by the submitters: PubMed 18700894 (cited by Labcorp Genetics (formerly Invitae), Labcorp); PubMed 32904964 (cited by Labcorp Genetics (formerly Invitae), Labcorp).

NM_000426.4(LAMA2):c.4240del (p.Leu1414fs)

Gene: LAMA2 (laminin subunit alpha 2; plus strand). Cytogenetic location: 6q22.33.
Variant type: Deletion.
Coding change: c.4240del on transcript NM_000426.4 (MANE Select); coding-DNA position 4240, one base deleted (C; older notation c.4240delC).
Protein change: p.Leu1414fs; shifts the reading frame from leucine 1414.
Molecular consequence: frameshift variant.
Genome position (GRCh38, 1-based): chr6:129,328,341, C deleted; the last of 3 consecutive C bases (chr6:129,328,339-129,328,341); deleting any one gives the same sequence. VCF-style (leftmost placement, unchanged base first): chr6-129328338-AC-A. GRCh37 (hg19) VCF-style: chr6-129649483-AC-A.
Other names: c.4240del, p.Leu1414fs (NM_001079823.2); short protein forms L1414fs.
Identifiers: ClinVar variation 1448234 (VCV001448234.7), dbSNP rs2114532949, ClinGen allele CA2573140465.